The following is an entry in ClinVar:

NM_138383.3(MTSS2):c.2217C>T (p.Asn739=)

Gene: MTSS2 (MTSS I-BAR domain containing 2; minus strand). Cytogenetic location: 16q22.1.
Variant type: single nucleotide variant.
Coding change: c.2217C>T on transcript NM_138383.3 (MANE Select); coding-DNA position 2217, C replaced by T.
Protein change: p.Asn739=; no amino-acid change (asparagine 739 retained).
Molecular consequence: synonymous variant.
Genome position (GRCh38, 1-based): chr16:70,663,704, G>A on the plus strand (C>T on the coding strand, the complement: MTSS2 is on the minus strand). VCF-style: chr16-70663704-G-A. GRCh37 (hg19) VCF-style: chr16-70697607-G-A.
Identifiers: ClinVar variation 4281120 (VCV004281120.7).

ClinVar aggregate classification (germline): Likely benign (1 of 4 stars; one submission).

gnomAD v4.1: 29 of 1,588,754 alleles (0.0018%); highest among the groups gnomAD compares: South Asian, 0.015%; no homozygotes.

Submission:

CeGaT Center for Human Genetics Tuebingen
Classification: Likely benign. Last evaluated: 2025-09-01. Review status: criteria provided, single submitter. Criteria: CeGaT Center For Human Genetics Tuebingen Variant Classification Criteria Version 2. Collection method: clinical testing. Allele origin: germline. Affected: yes. Observed: 1 variant allele.
Comment: MTSS2: BP4, BP7